The following is an entry in ClinVar:

ClinVar aggregate classification (germline): Uncertain significance. Review status: criteria provided, multiple submitters, no conflicts (2 of 4 stars). 2 submissions from 2 submitters: Uncertain significance (2). Last evaluated 2023-11-27.

Allele frequency attached by ClinVar (database versions not stated): ExAC 0.00002; gnomAD exomes 0.00003 and 0.00004; TOPMed 0.00003; gnomAD 0.00006.
gnomAD v4.1: 51 of 1,597,994 alleles (0.0032%); highest among the groups gnomAD compares: Middle Eastern, 0.099%; no homozygotes.

Submissions (2):

GeneDx
Classification: Uncertain significance. Last evaluated: 2023-11-27. Review status: criteria provided, single submitter. Criteria: GeneDx Variant Classification Process June 2021. Collection method: clinical testing. Allele origin: germline. Affected: yes.
Comment: Not observed at significant frequency in large population cohorts (gnomAD); In silico analysis supports that this variant does not alter splicing; Has not been previously published as pathogenic or benign to our knowledge

Labcorp Genetics (formerly Invitae), Labcorp
Classification: Uncertain significance. Last evaluated: 2023-08-04. Review status: criteria provided, single submitter. Criteria: Invitae Variant Classification Sherloc (09022015). Collection method: clinical testing. Allele origin: germline.
Comment: This sequence change falls in intron 9 of the NDUFA10 gene. It does not directly change the encoded amino acid sequence of the NDUFA10 protein. It affects a nucleotide within the consensus splice site. This variant is present in population databases (rs778359023, gnomAD 0.009%). This variant has not been reported in the literature in individuals affected with NDUFA10-related conditions. ClinVar contains an entry for this variant (Variation ID: 1394003). Variants that disrupt the consensus splice site are a relatively common cause of aberrant splicing (PMID: 17576681, 9536098). Algorithms developed to predict the effect of sequence changes on RNA splicing suggest that this variant may disrupt the consensus splice site. In summary, the available evidence is currently insufficient to determine the role of this variant in disease. Therefore, it has been classified as a Variant of Uncertain Significance.

Literature cited by the submitters: PubMed 17576681 (cited by Labcorp Genetics (formerly Invitae), Labcorp); PubMed 9536098 (cited by Labcorp Genetics (formerly Invitae), Labcorp).

NM_004544.4(NDUFA10):c.999+4A>G

Gene: NDUFA10 (NADH:ubiquinone oxidoreductase subunit A10; minus strand). Cytogenetic location: 2q37.3.
Variant type: single nucleotide variant.
Coding change: c.999+4A>G on transcript NM_004544.4 (MANE Select); 4 bases into the intron after coding-DNA position 999, A replaced by G.
Molecular consequence: intron variant.
Genome position (GRCh38, 1-based): chr2:239,990,070, T>C on the plus strand (A>G on the coding strand, the complement: NDUFA10 is on the minus strand). VCF-style: chr2-239990070-T-C. GRCh37 (hg19) VCF-style: chr2-240929487-T-C.
Other names: c.890+15140A>G (NM_001322020.2); c.999+4A>G (NM_001322019.2).
Identifiers: ClinVar variation 1394003 (VCV001394003.5), dbSNP rs778359023, ClinGen allele CA2200788.